The following is an entry in ClinVar:

ClinVar aggregate classification (germline): Uncertain significance (1 of 4 stars; one submission).

Conditions:
Hereditary cancer-predisposing syndrome. Also called: Neoplastic Syndromes, Hereditary; Tumor predisposition; Hereditary neoplastic syndrome; Hereditary Cancer Syndrome. Identifiers: Orphanet 140162, MedGen C0027672, MeSH D009386, MONDO:0015356.

Submission:

Ambry Genetics
Classification: Uncertain significance for Hereditary cancer-predisposing syndrome. Last evaluated: 2023-11-21. Review status: criteria provided, single submitter. Criteria: Ambry Variant Classification Scheme 2023. Collection method: clinical testing. Allele origin: germline.
Comment: The c.704_705insGCCTGG variant (also known as p.P244_A245insPG), located in coding exon 3 of the SMARCA4 gene, results from an in-frame GCCTGG insertion at nucleotide positions 704 to 705. This results in the insertion of two extra residues between codons 244 and 245. This amino acid region is well conserved in available vertebrate species. In addition, this alteration is predicted to be neutral by in silico analysis (Choi Y et al. PLoS ONE. 2012; 7(10):e46688). Missense and in-frame variants in SMARCA4 are known to cause neurodevelopmental disorders; however, such associations with rhabdoid tumor predisposition syndrome including small cell carcinoma of the ovary-hypercalcemic type (SCCOHT) are exceedingly rare (Kosho T et al. Am J Med Genet C Semin Med Genet. 2014 Sep;166C(3):262-75; Jelinic P et al. Nat Genet. 2014 May;46(5):424-6). Based on the supporting evidence, the association of this alteration with Coffin-Siris syndrome is unknown; however, the association of this alteration with rhabdoid tumor predisposition syndrome is unlikely.

NM_003072.5(SMARCA4):c.704_705insGCCTGG (p.Pro244_Ala245insGlyPro)

Gene: SMARCA4 (SWI/SNF related BAF chromatin remodeling complex subunit ATPase 4; plus strand). Cytogenetic location: 19p13.2.
Variant type: Insertion.
Coding change: c.704_705insGCCTGG on transcript NM_003072.5 (MANE Select); coding-DNA positions 704 to 705, GCCTGG inserted.
Protein change: p.Pro244_Ala245insGlyPro.
Molecular consequence: inframe insertion. On other transcripts: non-coding transcript variant (1).
Genome position: GRCh38 VCF-style: chr19-10986532-C-CCCTGGG. GRCh37 (hg19) VCF-style: chr19-11097208-C-CCCTGGG.
Other names: c.704_705insGCCTGG, p.Pro244_Ala245insGlyPro (NM_001128844.3, NM_001128845.2, NM_001128846.2 and 6 more transcripts).
Identifiers: ClinVar variation 3233143 (VCV003233143.1), dbSNP rs2514005228, ClinGen allele CA2825002736.